The following is an entry in ClinVar:

NM_004614.5(TK2):c.700-13G>A

Gene: TK2 (thymidine kinase 2; minus strand). Cytogenetic location: 16q21.
Variant type: single nucleotide variant.
Coding change: c.700-13G>A on transcript NM_004614.5 (MANE Select); 13 bases into the intron before coding-DNA position 700, G replaced by A.
Molecular consequence: intron variant.
Genome position (GRCh38, 1-based): chr16:66,512,079, C>T on the plus strand (G>A on the coding strand, the complement: TK2 is on the minus strand). VCF-style: chr16-66512079-C-T. GRCh37 (hg19) VCF-style: chr16-66545982-C-T.
Other names: c.438-13G>A (NM_001271935.1); c.607-13G>A (NM_001172643.1); c.625-13G>A (NM_001172644.2); c.646-13G>A (NM_001172645.2); c.553-13G>A (NM_001271934.2); c.409-13G>A (NM_001272050.2).
Identifiers: ClinVar variation 137664 (VCV000137664.15), dbSNP rs16956600, ClinGen allele CA291318.

ClinVar aggregate classification (germline): Benign. Review status: criteria provided, multiple submitters, no conflicts (2 of 4 stars). 7 submissions from 7 submitters: Benign (7). Last evaluated 2026-06-08.

Conditions:
Mitochondrial DNA depletion syndrome, myopathic form (MTDPS2). Also called: MITOCHONDRIAL DNA DEPLETION SYNDROME 2 (MYOPATHIC TYPE); MITOCHONDRIAL DNA DEPLETION MYOPATHY, TK2-RELATED; TK2-Related Mitochondrial DNA Maintenance Defect, Myopathic Form. Identifiers: Orphanet 254875, MedGen C3149750, MONDO:0012301, OMIM 609560.

Allele frequency attached by ClinVar (database versions not stated): gnomAD 0.11082; ESP Exome Variant Server 0.12283; TOPMed 0.13320; 1000 Genomes Project 30x 0.14897; 1000 Genomes Project 0.15076.
gnomAD v4.1: 153,772 of 1,610,742 alleles (9.5%); highest among the groups gnomAD compares: African/African-American, 20%; 8,333 homozygotes.

Submissions (7):

Women's Health and Genetics/Laboratory Corporation of America, LabCorp
Classification: Benign. Last evaluated: 2026-06-08. Review status: criteria provided, single submitter. Criteria: LabCorp Variant Classification Summary - May 2015. Collection method: clinical testing. Allele origin: germline.

Labcorp Genetics (formerly Invitae), Labcorp
Classification: Benign. Last evaluated: 2026-02-04. Review status: criteria provided, single submitter. Criteria: Invitae Variant Classification Sherloc (09022015). Collection method: clinical testing. Allele origin: germline.

Blueprint Genetics
Classification: Benign. Last evaluated: 2024-11-27. Review status: criteria provided, single submitter. Criteria: ACMG Guidelines, 2015. Collection method: clinical testing. Allele origin: germline.

Illumina Laboratory Services, Illumina
Classification: Benign for Mitochondrial DNA depletion syndrome, myopathic form. Last evaluated: 2018-01-13. Review status: criteria provided, single submitter. Criteria: ICSL Variant Classification Criteria 13 December 2019. Collection method: clinical testing. Allele origin: germline.
Comment: This variant was observed in the ICSL laboratory as part of a predisposition screen in an ostensibly healthy population. It had not been previously curated by ICSL or reported in the Human Gene Mutation Database (HGMD: prior to June 1st, 2018), and was therefore a candidate for classification through an automated scoring system. Utilizing variant allele frequency, disease prevalence and penetrance estimates, and inheritance mode, an automated score was calculated to assess if this variant is too frequent to cause the disease. Based on the score and internal cut-off values, a variant classified as benign is not then subjected to further curation. The score for this variant resulted in a classification of benign for this disease.

GeneDx
Classification: Benign. Last evaluated: 2011-07-01. Review status: criteria provided, single submitter. Criteria: GeneDx Variant Classification (06012015). Collection method: clinical testing. Allele origin: germline. Affected: yes.
Comment: This variant is considered likely benign or benign based on one or more of the following criteria: it is a conservative change, it occurs at a poorly conserved position in the protein, it is predicted to be benign by multiple in silico algorithms, and/or has population frequency not consistent with disease.

Breakthrough Genomics
Classification: Benign. Review status: criteria provided, single submitter. Criteria: ACMG Guidelines, 2015. Collection method: not provided. Allele origin: germline. Inheritance: Autosomal recessive inheritance. Affected: yes.

PreventionGenetics, part of Exact Sciences
Classification: Benign. Review status: criteria provided, single submitter. Criteria: ACMG Guidelines, 2015. Collection method: clinical testing. Allele origin: germline.